The following is an entry in ClinVar:

ClinVar aggregate classification (germline): Uncertain significance (1 of 4 stars; one submission).

Submission:

Labcorp Genetics (formerly Invitae), Labcorp
Classification: Uncertain significance. Last evaluated: 2022-03-01. Review status: criteria provided, single submitter. Criteria: Invitae Variant Classification Sherloc (09022015). Collection method: clinical testing. Allele origin: germline.
Comment: In summary, the available evidence is currently insufficient to determine the role of this variant in disease. Therefore, it has been classified as a Variant of Uncertain Significance. Algorithms developed to predict the effect of missense changes on protein structure and function (SIFT, PolyPhen-2, Align-GVGD) all suggest that this variant is likely to be tolerated. This variant has not been reported in the literature in individuals affected with PITX1-related conditions. This variant is not present in population databases (gnomAD no frequency). This sequence change replaces proline, which is neutral and non-polar, with serine, which is neutral and polar, at codon 231 of the PITX1 protein (p.Pro231Ser).

NM_002653.5(PITX1):c.691C>T (p.Pro231Ser)

Gene: PITX1 (paired like homeodomain 1; minus strand). Cytogenetic location: 5q31.1.
Variant type: single nucleotide variant.
Coding change: c.691C>T on transcript NM_002653.5 (MANE Select); coding-DNA position 691, C replaced by T.
Protein change: p.Pro231Ser; replaces proline 231 with serine.
Molecular consequence: missense variant.
Genome position (GRCh38, 1-based): chr5:135,029,033, G>A on the plus strand (C>T on the coding strand, the complement: PITX1 is on the minus strand). VCF-style: chr5-135029033-G-A. GRCh37 (hg19) VCF-style: chr5-134364723-G-A.
Other names: short protein forms P231S.
Identifiers: ClinVar variation 2105398 (VCV002105398.4), dbSNP rs769968771, ClinGen allele CA361027713.